The following is an entry in ClinVar:

ClinVar aggregate classification (germline): Benign/Likely benign. Review status: criteria provided, multiple submitters, no conflicts (2 of 4 stars). 6 submissions from 6 submitters: Benign (2); Likely benign (2). 2 of the submissions do not count toward it. Last evaluated 2026-01-28.

Conditions:
TULP1-related disorder. Also called: TULP1-related condition; TULP1-related disorders.

Submissions (6):

Labcorp Genetics (formerly Invitae), Labcorp
Classification: Benign. Last evaluated: 2026-01-28. Review status: criteria provided, single submitter. Criteria: Invitae Variant Classification Sherloc (09022015). Collection method: clinical testing. Allele origin: germline.

CeGaT Center for Human Genetics Tuebingen
Classification: Likely benign. Last evaluated: 2024-12-01. Review status: criteria provided, single submitter. Criteria: CeGaT Center For Human Genetics Tuebingen Variant Classification Criteria Version 2. Collection method: clinical testing. Allele origin: germline. Affected: yes. Observed: 5 variant alleles.
Comment: TULP1: BS2

Blueprint Genetics
Classification: Likely benign. Last evaluated: 2024-11-26. Review status: criteria provided, single submitter. Criteria: ACMG Guidelines, 2015. Collection method: clinical testing. Allele origin: germline.

Eurofins Ntd Llc (ga)
Classification: Benign. Last evaluated: 2018-04-23. Review status: criteria provided, single submitter. Criteria: EGL ClinVar v180209 classification definitions. Collection method: clinical testing. Allele origin: germline. Observed: 4 variant alleles, 4 heterozygotes.

PreventionGenetics, part of Exact Sciences
Classification: Likely benign for TULP1-related condition. Last evaluated: 2024-03-20. Review status: no assertion criteria provided. Collection method: clinical testing. Allele origin: germline. Not counted in ClinVar's aggregate classification.
Comment: This variant is classified as likely benign based on ACMG/AMP sequence variant interpretation guidelines (Richards et al. 2015 PMID: 25741868, with internal and published modifications).

Retina International
No classification provided. Review status: no classification provided. Collection method: not provided. Allele origin: not provided. Not counted in ClinVar's aggregate classification.

NM_003322.6(TULP1):c.371_394del (p.Asp124_Glu131del)

Gene: TULP1 (TUB like protein 1; minus strand). Cytogenetic location: 6p21.31.
Variant type: Deletion.
Coding change: c.371_394del on transcript NM_003322.6 (MANE Select); coding-DNA positions 371 to 394, 24 bases deleted (ACGAGGAGGACGAGGAAGAGGAGG).
Protein change: p.Asp124_Glu131del.
Molecular consequence: inframe deletion.
Genome position (GRCh38, 1-based): chr6:35,510,966-35,510,989, CCTCCTCTTCCTCGTCCTCCTCGT deleted on the plus strand (ACGAGGAGGACGAGGAAGAGGAGG on the coding strand, the reverse complement: TULP1 is on the minus strand); deleting any 24 consecutive bases within chr6:35,510,966-35,511,002 gives the same sequence; the c. name uses the placement nearest the transcript's 3' end. VCF-style (leftmost placement, unchanged base first): chr6-35510965-GCCTCCTCTTCCTCGTCCTCCTCGT-G. GRCh37 (hg19) VCF-style: chr6-35478742-GCCTCCTCTTCCTCGTCCTCCTCGT-G.
Other names: c.212_235del, p.Asp71_Glu78del (NM_001289395.2); c.371_394del24 (NM_003322.5).
Identifiers: ClinVar variation 197752 (VCV000197752.58), dbSNP rs281865169, ClinGen allele CA227711.